The following is an entry in ClinVar:

Conditions:
Long QT syndrome 5 (LQT5). Identifiers: Orphanet 101016, Orphanet 768, MedGen C1867904, MONDO:0013372, OMIM 613695.

Submission:

Roden Lab, Vanderbilt University Medical Center
No classification provided (evidence only). Condition: Long QT syndrome 5. Review status: no classification provided. Collection method: in vitro. Allele origin: not applicable. Functional consequence: Effect on ion channel function.
ClinVar note: "not provided" was previously submitted as the classification for the variant. However, the classification appeared to be based only on an observation of functional data so it was converted to no classification on 2025-07-30.

NM_000219.6(KCNE1):c.36T>G (p.Phe12Leu)

Gene: KCNE1 (potassium voltage-gated channel subfamily E regulatory subunit 1; minus strand). Cytogenetic location: 21q22.12.
Variant type: single nucleotide variant.
Coding change: c.36T>G on transcript NM_000219.6 (MANE Select); coding-DNA position 36, T replaced by G.
Protein change: p.Phe12Leu; replaces phenylalanine 12 with leucine.
Molecular consequence: missense variant.
Genome position (GRCh38, 1-based): chr21:34,449,599, A>C on the plus strand (T>G on the coding strand, the complement: KCNE1 is on the minus strand). VCF-style: chr21-34449599-A-C. GRCh37 (hg19) VCF-style: chr21-35821897-A-C.
Other names: c.36T>G, p.Phe12Leu (NM_001127668.4, NM_001127669.4, NM_001127670.4 and 4 more transcripts); short protein forms F12L.
Identifiers: ClinVar variation 3373845 (VCV003373845.2).